The following is an entry in ClinVar:

NM_000256.3(MYBPC3):c.1262T>C (p.Leu421Pro)

Gene: MYBPC3 (myosin binding protein C3; minus strand). Cytogenetic location: 11p11.2.
Variant type: single nucleotide variant.
Coding change: c.1262T>C on transcript NM_000256.3 (MANE Select); coding-DNA position 1262, T replaced by C.
Protein change: p.Leu421Pro; replaces leucine 421 with proline.
Molecular consequence: missense variant.
Genome position (GRCh38, 1-based): chr11:47,343,110, A>G on the plus strand (T>C on the coding strand, the complement: MYBPC3 is on the minus strand). VCF-style: chr11-47343110-A-G. GRCh37 (hg19) VCF-style: chr11-47364661-A-G.
Other names: short protein forms L421P.
Identifiers: ClinVar variation 2817677 (VCV002817677.3), dbSNP rs2142861749, ClinGen allele CA380327582.

ClinVar aggregate classification (germline): Uncertain significance (1 of 4 stars; one submission).

Conditions:
Hypertrophic cardiomyopathy. Also called: HYPERTROPHIC MYOCARDIOPATHY. Identifiers: Orphanet 217569, MedGen C0007194, MeSH D002312, MONDO:0005045, HP:0001639.

Submission:

Labcorp Genetics (formerly Invitae), Labcorp
Classification: Uncertain significance for Hypertrophic cardiomyopathy. Last evaluated: 2022-11-30. Review status: criteria provided, single submitter. Criteria: Invitae Variant Classification Sherloc (09022015). Collection method: clinical testing. Allele origin: germline.
Comment: This sequence change replaces leucine, which is neutral and non-polar, with proline, which is neutral and non-polar, at codon 421 of the MYBPC3 protein (p.Leu421Pro). This variant is not present in population databases (gnomAD no frequency). This variant has not been reported in the literature in individuals affected with MYBPC3-related conditions. Algorithms developed to predict the effect of missense changes on protein structure and function (SIFT, PolyPhen-2, Align-GVGD) all suggest that this variant is likely to be disruptive. In summary, the available evidence is currently insufficient to determine the role of this variant in disease. Therefore, it has been classified as a Variant of Uncertain Significance.